The following is an entry in ClinVar:

ClinVar aggregate classification (germline): Uncertain significance (1 of 4 stars; one submission).

Allele frequency attached by ClinVar (database versions not stated): gnomAD exomes below 0.00001; TOPMed below 0.00001.
gnomAD v4.1: 1 of 1,614,016 alleles (0.000062%); highest among the groups gnomAD compares: South Asian, 0.0011%; no homozygotes.

Submission:

Labcorp Genetics (formerly Invitae), Labcorp
Classification: Uncertain significance. Last evaluated: 2022-03-29. Review status: criteria provided, single submitter. Criteria: Invitae Variant Classification Sherloc (09022015). Collection method: clinical testing. Allele origin: germline.
Comment: This sequence change replaces threonine, which is neutral and polar, with alanine, which is neutral and non-polar, at codon 1052 of the POLR3A protein (p.Thr1052Ala). This variant is not present in population databases (gnomAD no frequency). This variant has not been reported in the literature in individuals affected with POLR3A-related conditions. Algorithms developed to predict the effect of missense changes on protein structure and function are either unavailable or do not agree on the potential impact of this missense change (SIFT: "Deleterious"; PolyPhen-2: "Probably Damaging"; Align-GVGD: "Class C0"). In summary, the available evidence is currently insufficient to determine the role of this variant in disease. Therefore, it has been classified as a Variant of Uncertain Significance.

NM_007055.4(POLR3A):c.3154A>G (p.Thr1052Ala)

Gene: POLR3A (RNA polymerase III subunit A; minus strand). Cytogenetic location: 10q22.3.
Variant type: single nucleotide variant.
Coding change: c.3154A>G on transcript NM_007055.4 (MANE Select); coding-DNA position 3154, A replaced by G.
Protein change: p.Thr1052Ala; replaces threonine 1052 with alanine.
Molecular consequence: missense variant.
Genome position (GRCh38, 1-based): chr10:77,985,258, T>C on the plus strand (A>G on the coding strand, the complement: POLR3A is on the minus strand). VCF-style: chr10-77985258-T-C. GRCh37 (hg19) VCF-style: chr10-79745016-T-C.
Other names: short protein forms T1052A.
Identifiers: ClinVar variation 2060024 (VCV002060024.2), dbSNP rs1428911540, ClinGen allele CA377331280.
Genomic context (GRCh38, chr10:77,985,258, plus strand): 5'-CTTTAATCCGGGGCACGCCCAGGGTGATGTTCATGGAGGCCACACCTGCAAAGTGGAAAG[T>C]CTTCAGGGTCATCTGGGTGCCTGGCTCACCAATGCTCTGGGCACACAGAGCACCCACTGC-3'
Protein context (NP_008986.2, residues 1042-1062): GEPGTQMTLK[Thr1052Ala]FHFAGVASMN